The following is an entry in ClinVar:

ClinVar aggregate classification (germline): Uncertain significance. Review status: criteria provided, multiple submitters, no conflicts (2 of 4 stars). 2 submissions from 2 submitters: Uncertain significance (2). Last evaluated 2026-01-27.

Conditions:
Cardiovascular phenotype. Identifiers: MedGen CN230736.
Arrhythmogenic right ventricular dysplasia 8 (ARVD8). Also called: ARRHYTHMOGENIC RIGHT VENTRICULAR DYSPLASIA, FAMILIAL, 8; ARRHYTHMOGENIC RIGHT VENTRICULAR CARDIOMYOPATHY 8; Arrhythmogenic Right Ventricular Dysplasia/Cardiomyopathy 8. Identifiers: MedGen C1843896, MONDO:0011831, OMIM 607450.
Arrhythmogenic cardiomyopathy with wooly hair and keratoderma. Also called: PALMOPLANTAR KERATODERMA WITH LEFT VENTRICULAR CARDIOMYOPATHY AND WOOLLY HAIR; Carvajal syndrome; Dilated cardiomyopathy with woolly hair and keratoderma; Arrhythmogenic cardiomyopathy with woolly hair and keratoderma. Identifiers: Orphanet 65282, MedGen C1854063, MONDO:0011581, OMIM 605676.

Allele frequency attached by ClinVar (database versions not stated): gnomAD exomes below 0.00001; gnomAD 0.00001.

Submissions (2):

Labcorp Genetics (formerly Invitae), Labcorp
Classification: Uncertain significance for Arrhythmogenic cardiomyopathy with wooly hair and keratoderma; Arrhythmogenic right ventricular dysplasia 8. Last evaluated: 2026-01-27. Review status: criteria provided, single submitter. Criteria: Invitae Variant Classification Sherloc (09022015). Collection method: clinical testing. Allele origin: germline.
Comment: This sequence change replaces arginine, which is basic and polar, with histidine, which is basic and polar, at codon 27 of the DSP protein (p.Arg27His). This variant is present in population databases (rs770203792, gnomAD 0.001%). This variant has not been reported in the literature in individuals affected with DSP-related conditions. ClinVar contains an entry for this variant (Variation ID: 3224252). An algorithm developed to predict the effect of missense changes on protein structure and function (PolyPhen-2) suggests that this variant is likely to be disruptive. In summary, the available evidence is currently insufficient to determine the role of this variant in disease. Therefore, it has been classified as a Variant of Uncertain Significance.

Ambry Genetics
Classification: Uncertain significance for Cardiovascular phenotype. Last evaluated: 2024-01-13. Review status: criteria provided, single submitter. Criteria: Ambry Variant Classification Scheme 2023. Collection method: clinical testing. Allele origin: germline.
Comment: The p.R27H variant (also known as c.80G>A), located in coding exon 1 of the DSP gene, results from a G to A substitution at nucleotide position 80. The arginine at codon 27 is replaced by histidine, an amino acid with highly similar properties. This amino acid position is conserved. In addition, the in silico prediction for this alteration is inconclusive. Since supporting evidence is limited at this time, the clinical significance of this alteration remains unclear.

NM_004415.4(DSP):c.80G>A (p.Arg27His)

Genes: DSP (desmoplakin; plus strand), DSP-AS1 (DSP antisense RNA 1; minus strand). Cytogenetic location: 6p24.3.
Variant type: single nucleotide variant.
Coding change: c.80G>A on transcript NM_004415.4 (MANE Select); coding-DNA position 80, G replaced by A.
Protein change: p.Arg27His; replaces arginine 27 with histidine.
Molecular consequence: missense variant.
Genome position (GRCh38, 1-based): chr6:7,541,995, G>A. VCF-style: chr6-7541995-G-A. GRCh37 (hg19) VCF-style: chr6-7542228-G-A.
Other names: c.80G>A, p.Arg27His (NM_001008844.3, NM_001319034.2, NM_001406591.1); short protein forms R27H.
Identifiers: ClinVar variation 3224252 (VCV003224252.2), dbSNP rs770203792, ClinGen allele CA051507.
Genomic context (GRCh38, chr6:7,541,995, plus strand): 5'-CCCACCCGCGGATCAACACTCTGGGCCGCATGATCCGCGCCGAGTCTGGCCCGGACCTGC[G>A]CTACGAGGTGACCAGCGGCGGCGGGGGCACCAGCAGGATGTACTATTCTCGGCGCGGCGT-3'
Protein context (NP_004406.2, residues 17-37): MIRAESGPDL[Arg27His]YEVTSGGGGT